The following is an entry in ClinVar:

ClinVar aggregate classification (germline): Uncertain significance (1 of 4 stars; one submission).

Conditions:
Hereditary cancer-predisposing syndrome. Also called: Neoplastic Syndromes, Hereditary; Tumor predisposition; Hereditary Cancer Syndrome; Hereditary neoplastic syndrome. Identifiers: Orphanet 140162, MedGen C0027672, MeSH D009386, MONDO:0015356.

Submission:

Ambry Genetics
Classification: Uncertain significance for Hereditary cancer-predisposing syndrome. Last evaluated: 2025-10-14. Review status: criteria provided, single submitter. Criteria: Ambry Variant Classification Scheme 2023. Collection method: clinical testing. Allele origin: germline.
Comment: The p.S830P variant (also known as c.2488T>C), located in coding exon 4 of the MSH6 gene, results from a T to C substitution at nucleotide position 2488. The serine at codon 830 is replaced by proline, an amino acid with similar properties. This amino acid position is conserved. In addition, the in silico prediction for this alteration is inconclusive. Based on the available evidence, the clinical significance of this variant remains unclear.

NM_000179.3(MSH6):c.2488T>C (p.Ser830Pro)

Gene: MSH6 (mutS homolog 6; plus strand). Cytogenetic location: 2p16.3.
Variant type: single nucleotide variant.
Coding change: c.2488T>C on transcript NM_000179.3 (MANE Select); coding-DNA position 2488, T replaced by C.
Protein change: p.Ser830Pro; replaces serine 830 with proline.
Molecular consequence: missense variant. On other transcripts: non-coding transcript variant (5), intron variant (3).
Genome position (GRCh38, 1-based): chr2:47,800,471, T>C. VCF-style: chr2-47800471-T-C. GRCh37 (hg19) VCF-style: chr2-48027610-T-C.
Other names: c.2098T>C, p.Ser700Pro (NM_001281492.2); c.1582T>C, p.Ser528Pro (NM_001281493.2, NM_001281494.2, NM_001406811.1 and 6 more transcripts); c.2584T>C, p.Ser862Pro (NM_001406795.1, NM_001406802.1); c.2488T>C, p.Ser830Pro (NM_001406796.1, NM_001406798.1, NM_001406800.1 and 2 more transcripts); c.2191T>C, p.Ser731Pro (NM_001406797.1, NM_001406801.1, NM_001406805.1 and 10 more transcripts); c.1963T>C, p.Ser655Pro (NM_001406799.1, NM_001406806.1, NM_001406807.1); c.2410T>C, p.Ser804Pro (NM_001406804.1); c.2494T>C, p.Ser832Pro (NM_001406813.1); and 4 more; short protein forms S700P, S830P, S528P, S731P, S862P, S655P, S804P, S774P.
Identifiers: ClinVar variation 4657711 (VCV004657711.1).